The following is an entry in ClinVar:

ClinVar aggregate classification (germline): Uncertain significance (1 of 4 stars; one submission).

Submission:

Labcorp Genetics (formerly Invitae), Labcorp
Classification: Uncertain significance. Last evaluated: 2024-09-15. Review status: criteria provided, single submitter. Criteria: Invitae Variant Classification Sherloc (09022015). Collection method: clinical testing. Allele origin: germline.
Comment: This variant, c.117_119dup, results in the insertion of 1 amino acid(s) of the CLCN6 protein (p.Glu39dup), but otherwise preserves the integrity of the reading frame. This variant is present in population databases (rs764096461, gnomAD 0.02%). This variant has not been reported in the literature in individuals affected with CLCN6-related conditions. Experimental studies and prediction algorithms are not available or were not evaluated, and the functional significance of this variant is currently unknown. In summary, the available evidence is currently insufficient to determine the role of this variant in disease. Therefore, it has been classified as a Variant of Uncertain Significance.

NM_001286.5(CLCN6):c.108GGA[5] (p.Glu39dup)

Gene: CLCN6 (chloride voltage-gated channel 6; plus strand). Cytogenetic location: 1p36.22.
Variant type: Microsatellite.
Coding change: c.108GGA[5] on transcript NM_001286.5 (MANE Select); five copies in a row of the 3-base unit GGA starting at c.108; the reference has four copies in a row; one copy, 3 bases duplicated.
Protein change: p.Glu39dup; duplicates glutamic acid 39.
Molecular consequence: inframe insertion. On other transcripts: non-coding transcript variant (1).
Genome position (GRCh38, 1-based): chr1:11,807,160-11,807,162, GGA duplicated; duplicating any 3 consecutive bases within chr1:11,807,150-11,807,162 gives the same sequence; the position shown is the placement nearest the transcript's 3' end. VCF-style (leftmost placement, unchanged base first): chr1-11807149-C-CAGG. GRCh37 (hg19) VCF-style: chr1-11867206-C-CAGG.
Other names: c.108GGA[5], p.Glu39dup (NM_001256959.2).
Identifiers: ClinVar variation 1403949 (VCV001403949.7), dbSNP rs764096461, ClinGen allele CA595887.